The following is an entry in ClinVar:

ClinVar aggregate classification (germline): Likely pathogenic. Review status: criteria provided, multiple submitters, no conflicts (2 of 4 stars). 3 submissions from 3 submitters: Likely pathogenic (3). Last evaluated 2025-11-30.

Conditions:
Hereditary cancer-predisposing syndrome. Also called: Hereditary Cancer Syndrome; Neoplastic Syndromes, Hereditary; Tumor predisposition; Hereditary neoplastic syndrome. Identifiers: Orphanet 140162, MedGen C0027672, MeSH D009386, MONDO:0015356.
Microcephaly, normal intelligence and immunodeficiency (NBS). Also called: IMMUNODEFICIENCY, MICROCEPHALY, AND CHROMOSOMAL INSTABILITY; SEEMANOVA SYNDROME II; Immunodeficiency, microcephaly with normal intelligence; Ataxia telangiectasia variant V1; Nijmegen breakage syndrome; Microcephaly with normal intelligence immunodeficiency and lymphoreticular malignancies. Identifiers: Orphanet 647, MedGen C0398791, MONDO:0009623, OMIM 251260.

Allele frequency attached by ClinVar (database versions not stated): TOPMed below 0.00001; gnomAD exomes 0.00001.
gnomAD v4.1: 10 of 1,566,044 alleles (0.00064%); highest among the groups gnomAD compares: Non-Finnish European, 0.00088%; no homozygotes.

Submissions (3):

Labcorp Genetics (formerly Invitae), Labcorp
Classification: Likely pathogenic for Microcephaly, normal intelligence and immunodeficiency. Last evaluated: 2025-11-30. Review status: criteria provided, single submitter. Criteria: Invitae Variant Classification Sherloc (09022015). Collection method: clinical testing. Allele origin: germline.
Comment: This sequence change affects a donor splice site in intron 13 of the NBN gene. It is expected to disrupt RNA splicing. Variants that disrupt the donor or acceptor splice site typically lead to a loss of protein function (PMID: 16199547), and loss-of-function variants in NBN are known to be pathogenic (PMID: 9590180, 16415040). This variant is not present in population databases (gnomAD no frequency). This variant has not been reported in the literature in individuals affected with NBN-related conditions. ClinVar contains an entry for this variant (Variation ID: 186791). Algorithms developed to predict the effect of sequence changes on RNA splicing suggest that this variant may disrupt the consensus splice site. In summary, the currently available evidence indicates that the variant is pathogenic, but additional data are needed to prove that conclusively. Therefore, this variant has been classified as Likely Pathogenic.

Quest Diagnostics Nichols Institute San Juan Capistrano
Classification: Likely pathogenic. Last evaluated: 2017-11-24. Review status: criteria provided, single submitter. Criteria: Quest Diagnostics criteria. Collection method: clinical testing. Allele origin: germline.

Ambry Genetics
Classification: Likely pathogenic for Hereditary cancer-predisposing syndrome. Last evaluated: 2016-07-26. Review status: criteria provided, single submitter. Criteria: Ambry Variant Classification Scheme 2023. Collection method: clinical testing. Allele origin: germline.
Comment: The c.2070+2T>G intronic variant results from a T to G substitution two nucleotides after coding exon 13 in the NBN gene. This variant was not reported in population based cohorts in the following databases: Database of Single Nucleotide Polymorphisms (dbSNP), NHLBI Exome Sequencing Project (ESP), and 1000 Genomes Project. In the ESP, this variant was not observed in 6500 samples (13000 alleles) with coverage at this position. To date, this alteration has been detected with an allele frequency of approximately 0.002% (greater than 175000 alleles tested) in our clinical cohort. This nucleotide position is highly conserved in available vertebrate species. Using the BDGP and ESEfinder splice site prediction tools, this alteration is predicted to abolish the native splice donor site; however, direct evidence is unavailable. Alterations that disrupt the canonical splice donor site are expected to cause aberrant splicing, resulting in an abnormal protein or a transcript that is subject to nonsense-mediated mRNA decay. As such, this alteration is classified as likely pathogenic.

Literature cited by the submitters: PubMed 16199547 (cited by Labcorp Genetics (formerly Invitae), Labcorp); PubMed 9590180 (cited by Labcorp Genetics (formerly Invitae), Labcorp); PubMed 16415040 (cited by Labcorp Genetics (formerly Invitae), Labcorp).

NM_002485.5(NBN):c.2070+2T>G

Gene: NBN (nibrin; minus strand). Cytogenetic location: 8q21.3.
Variant type: single nucleotide variant.
Coding change: c.2070+2T>G on transcript NM_002485.5 (MANE Select); the canonical splice donor site of the intron after coding-DNA position 2070, T replaced by G.
Molecular consequence: splice donor variant.
Genome position (GRCh38, 1-based): chr8:89,946,138, A>C on the plus strand (T>G on the coding strand, the complement: NBN is on the minus strand). VCF-style: chr8-89946138-A-C. GRCh37 (hg19) VCF-style: chr8-90958366-A-C.
Other names: c.1824+2T>G (NM_001024688.3).
Identifiers: ClinVar variation 186791 (VCV000186791.14), dbSNP rs786203223, ClinGen allele CA195879.
Genomic context (GRCh38, chr8:89,946,138, plus strand): 5'-TCACTGGTATCTCTAAAAACATTTCAAACACTGACCTCTTGTGATACAGTTGAAATACCT[A>C]CCTTTTTGAATTTCTTGAAATTTTTTAGTTGACCATAATCATCATTTATGCCAGATGGAT-3'